The following is an entry in ClinVar:

NM_016616.5(NME8):c.1657C>T (p.Arg553Ter)

Gene: NME8 (NME/NM23 family member 8; plus strand). Cytogenetic location: 7p14.1.
Variant type: single nucleotide variant.
Coding change: c.1657C>T on transcript NM_016616.5 (MANE Select); coding-DNA position 1657, C replaced by T.
Protein change: p.Arg553Ter; replaces arginine 553 with a stop codon.
Molecular consequence: nonsense.
Genome position (GRCh38, 1-based): chr7:37,896,982, C>T. VCF-style: chr7-37896982-C-T. GRCh37 (hg19) VCF-style: chr7-37936584-C-T.
Other names: short protein forms R553*.
Identifiers: ClinVar variation 536823 (VCV000536823.11), dbSNP rs145721687, ClinGen allele CA4222589.
Genomic context (GRCh38, chr7:37,896,982, plus strand): 5'-AGACGATTGATGGGCCCAACAGACCCAGAAGAAGCAAAATTACTTTCCCCTGACTCCATC[C>T]GAGCCCAGTTTGGAATAAGTAAATTGAAAAACATTGTCCATGGAGCATCTAACGCCTATG-3'

ClinVar aggregate classification (germline): Uncertain significance. Review status: criteria provided, multiple submitters, no conflicts (2 of 4 stars). 3 submissions from 3 submitters: Uncertain significance (3). Last evaluated 2025-05-12.

Conditions:
Primary ciliary dyskinesia 6. Also called: Primary Ciliary Dyskinesia 6: TXNDC3-Related Primary Ciliary Dyskinesia. Identifiers: Orphanet 244, MedGen C1970506, MONDO:0012571, OMIM 610852.

Allele frequency attached by ClinVar (database versions not stated): gnomAD exomes 0.00003 and 0.00007; TOPMed 0.00006; ExAC 0.00007; gnomAD 0.00007 and 0.00008; ESP Exome Variant Server 0.00015.
gnomAD v4.1: 56 of 1,613,746 alleles (0.0035%); highest among the groups gnomAD compares: East Asian, 0.0089%; no homozygotes.

Submissions (3):

Labcorp Genetics (formerly Invitae), Labcorp
Classification: Uncertain significance for Primary ciliary dyskinesia 6. Last evaluated: 2025-05-12. Review status: criteria provided, single submitter. Criteria: Invitae Variant Classification Sherloc (09022015). Collection method: clinical testing. Allele origin: germline.
Comment: This sequence change creates a premature translational stop signal (p.Arg553*) in the NME8 gene. While this is not anticipated to result in nonsense mediated decay, it is expected to disrupt the last 36 amino acid(s) of the NME8 protein. This variant is present in population databases (rs145721687, gnomAD 0.02%). This variant has not been reported in the literature in individuals affected with NME8-related conditions. ClinVar contains an entry for this variant (Variation ID: 536823). In summary, the available evidence is currently insufficient to determine the role of this variant in disease. Therefore, it has been classified as a Variant of Uncertain Significance.

Blueprint Genetics
Classification: Uncertain significance. Last evaluated: 2023-09-19. Review status: criteria provided, single submitter. Criteria: ACMG Guidelines, 2015. Collection method: clinical testing. Allele origin: germline.

Fulgent Genetics
Classification: Uncertain significance for Primary ciliary dyskinesia 6. Last evaluated: 2022-04-14. Review status: criteria provided, single submitter. Criteria: ACMG Guidelines, 2015. Collection method: clinical testing. Allele origin: unknown.